The following is an entry in ClinVar:

ClinVar aggregate classification (germline): Uncertain significance (1 of 4 stars; one submission).

Allele frequency attached by ClinVar (database versions not stated): gnomAD exomes 0.00002; gnomAD 0.00004 and 0.00005; TOPMed 0.00005; ESP Exome Variant Server 0.00008.

Submission:

Labcorp Genetics (formerly Invitae), Labcorp
Classification: Uncertain significance. Last evaluated: 2022-07-12. Review status: criteria provided, single submitter. Criteria: Invitae Variant Classification Sherloc (09022015). Collection method: clinical testing. Allele origin: germline.
Comment: This sequence change replaces glycine, which is neutral and non-polar, with arginine, which is basic and polar, at codon 1815 of the CAD protein (p.Gly1815Arg). This variant is present in population databases (rs370557782, gnomAD 0.006%). This variant has not been reported in the literature in individuals affected with CAD-related conditions. ClinVar contains an entry for this variant (Variation ID: 1523083). Algorithms developed to predict the effect of missense changes on protein structure and function (SIFT, PolyPhen-2, Align-GVGD) all suggest that this variant is likely to be tolerated. In summary, the available evidence is currently insufficient to determine the role of this variant in disease. Therefore, it has been classified as a Variant of Uncertain Significance.

NM_004341.5(CAD):c.5443G>A (p.Gly1815Arg)

Gene: CAD (carbamoyl-phosphate synthetase 2, aspartate transcarbamylase, and dihydroorotase; plus strand). Cytogenetic location: 2p23.3.
Variant type: single nucleotide variant.
Coding change: c.5443G>A on transcript NM_004341.5 (MANE Select); coding-DNA position 5443, G replaced by A.
Protein change: p.Gly1815Arg; replaces glycine 1815 with arginine.
Molecular consequence: missense variant.
Genome position (GRCh38, 1-based): chr2:27,239,745, G>A. VCF-style: chr2-27239745-G-A. GRCh37 (hg19) VCF-style: chr2-27462613-G-A.
Other names: c.5254G>A, p.Gly1752Arg (NM_001306079.2); short protein forms G1752R, G1815R.
Identifiers: ClinVar variation 1523083 (VCV001523083.5), dbSNP rs370557782, ClinGen allele CA44516371.
Genomic context (GRCh38, chr2:27,239,745, plus strand): 5'-TTCTGCCTGCAGGTTCTGGTACCCCCGGGCTATGGACAGGATGTACGGAAGTGGCCACAG[G>A]GGGCTGTTCCTCAGCTCCCACCCTCAGCCCCTGCCACTAGTGAGATGACCACGGTATCCA-3'
Protein context (NP_004332.2, residues 1805-1825): YGQDVRKWPQ[Gly1815Arg]AVPQLPPSAP